The following is an entry in ClinVar:

ClinVar aggregate classification (germline): Benign/Likely benign. Review status: criteria provided, multiple submitters, no conflicts (2 of 4 stars). 4 submissions from 4 submitters: Benign (1); Likely benign (3). Last evaluated 2026-01-12.

Allele frequency attached by ClinVar (database versions not stated): ESP Exome Variant Server 0.00023; gnomAD 0.00092.
gnomAD v4.1: 631 of 1,613,838 alleles (0.039%); highest among the groups gnomAD compares: Non-Finnish European, 0.034%; 1 homozygote.

Submissions (4):

Labcorp Genetics (formerly Invitae), Labcorp
Classification: Benign. Last evaluated: 2026-01-12. Review status: criteria provided, single submitter. Criteria: Invitae Variant Classification Sherloc (09022015). Collection method: clinical testing. Allele origin: germline.

CeGaT Center for Human Genetics Tuebingen
Classification: Likely benign. Last evaluated: 2025-10-01. Review status: criteria provided, single submitter. Criteria: CeGaT Center For Human Genetics Tuebingen Variant Classification Criteria Version 2. Collection method: clinical testing. Allele origin: germline. Affected: yes. Observed: 1 variant allele.
Comment: SETBP1: BP4

Blueprint Genetics
Classification: Likely benign. Last evaluated: 2024-10-17. Review status: criteria provided, single submitter. Criteria: ACMG Guidelines, 2015. Collection method: clinical testing. Allele origin: germline.

Genetic Services Laboratory, University of Chicago
Classification: Likely benign. Last evaluated: 2014-05-15. Review status: criteria provided, single submitter. Criteria: ACMG Guidelines, 2015. Collection method: clinical testing. Allele origin: germline. Inheritance: Autosomal dominant inheritance.

NM_015559.3(SETBP1):c.4290G>A (p.Val1430=)

Gene: SETBP1 (SET binding protein 1; plus strand). Cytogenetic location: 18q12.3.
Variant type: single nucleotide variant.
Coding change: c.4290G>A on transcript NM_015559.3 (MANE Select); coding-DNA position 4290, G replaced by A.
Protein change: p.Val1430=; no amino-acid change (valine 1430 retained).
Molecular consequence: synonymous variant.
Genome position (GRCh38, 1-based): chr18:45,063,197, G>A. VCF-style: chr18-45063197-G-A. GRCh37 (hg19) VCF-style: chr18-42643162-G-A.
Other names: c.4290G>A, p.Val1430= (LRG_1150t1).
Identifiers: ClinVar variation 159879 (VCV000159879.20), dbSNP rs139896661, ClinGen allele CA173403.